The following is an entry in ClinVar:

ClinVar aggregate classification (germline): Uncertain significance (1 of 4 stars; one submission).

Submission:

GeneDx
Classification: Uncertain significance. Last evaluated: 2024-02-01. Review status: criteria provided, single submitter. Criteria: GeneDx Variant Classification Process June 2021. Collection method: clinical testing. Allele origin: germline. Affected: yes.
Comment: Not observed at significant frequency in large population cohorts (gnomAD); In silico analysis supports that this missense variant has a deleterious effect on protein structure/function; Has not been previously published as pathogenic or benign to our knowledge

NM_001271.4(CHD2):c.3189G>C (p.Glu1063Asp)

Gene: CHD2 (chromodomain helicase DNA binding protein 2; plus strand). Cytogenetic location: 15q26.1.
Variant type: single nucleotide variant.
Coding change: c.3189G>C on transcript NM_001271.4 (MANE Select); coding-DNA position 3189, G replaced by C.
Protein change: p.Glu1063Asp; replaces glutamic acid 1063 with aspartic acid.
Molecular consequence: missense variant.
Genome position (GRCh38, 1-based): chr15:92,984,452, G>C. VCF-style: chr15-92984452-G-C. GRCh37 (hg19) VCF-style: chr15-93527682-G-C.
Other names: short protein forms E1063D.
Identifiers: ClinVar variation 3368713 (VCV003368713.1).